The following is an entry in ClinVar:

NM_003809.3(TNFSF12):c.337+5G>A

Genes: TNFSF12 (TNF superfamily member 12; plus strand), TNFSF12-TNFSF13 (TNFSF12-TNFSF13 readthrough; plus strand). Cytogenetic location: 17p13.1.
Variant type: single nucleotide variant.
Coding change: c.337+5G>A on transcript NM_003809.3 (MANE Select); 5 bases into the intron after coding-DNA position 337, G replaced by A.
Molecular consequence: intron variant.
Genome position (GRCh38, 1-based): chr17:7,550,857, G>A. VCF-style: chr17-7550857-G-A. GRCh37 (hg19) VCF-style: chr17-7454174-G-A.
Other names: c.337+5G>A (NM_172089.4).
Identifiers: ClinVar variation 1443639 (VCV001443639.7), dbSNP rs1196455086, ClinGen allele CA775068667.

ClinVar aggregate classification (germline): Uncertain significance. Review status: criteria provided, multiple submitters, no conflicts (2 of 4 stars). 2 submissions from 2 submitters: Uncertain significance (2). Last evaluated 2023-09-27.

Conditions:
Common variable immunodeficiency (CVID). Also called: Common variable hypogamma-globulinemia; Common variable agammaglobulinemia. Identifiers: Orphanet 1572, MedGen C0009447, MONDO:0015517.
TNFSF12-related disorder. Also called: TNFSF12-related condition.

Allele frequency attached by ClinVar (database versions not stated): gnomAD exomes below 0.00001; TOPMed below 0.00001; gnomAD 0.00001.
gnomAD v4.1: 3 of 1,613,074 alleles (0.00019%); highest among the groups gnomAD compares: Non-Finnish European, 0.00025%; no homozygotes.

Submissions (2):

Labcorp Genetics (formerly Invitae), Labcorp
Classification: Uncertain significance for Common variable immunodeficiency. Last evaluated: 2023-09-27. Review status: criteria provided, single submitter. Criteria: Invitae Variant Classification Sherloc (09022015). Collection method: clinical testing. Allele origin: germline.
Comment: In summary, the available evidence is currently insufficient to determine the role of this variant in disease. Therefore, it has been classified as a Variant of Uncertain Significance. Variants that disrupt the consensus splice site are a relatively common cause of aberrant splicing (PMID: 17576681, 9536098). Algorithms developed to predict the effect of sequence changes on RNA splicing suggest that this variant may disrupt the consensus splice site. ClinVar contains an entry for this variant (Variation ID: 1443639). This variant has not been reported in the literature in individuals affected with TNFSF12-related conditions. This variant is not present in population databases (gnomAD no frequency). This sequence change falls in intron 4 of the TNFSF12 gene. It does not directly change the encoded amino acid sequence of the TNFSF12 protein. It affects a nucleotide within the consensus splice site.

PreventionGenetics, part of Exact Sciences
Classification: Uncertain significance for TNFSF12-related condition. Last evaluated: 2023-03-10. Review status: criteria provided, single submitter. Criteria: ACMG Guidelines, 2015. Collection method: clinical testing. Allele origin: germline.
Comment: The TNFSF12 c.337+5G>A variant is predicted to interfere with splicing. This variant is predicted to alter splicing based on available splicing prediction programs (Alamut Visual v2.11). However, such computer prediction programs are imperfect. To our knowledge, this variant has not been reported in the literature or in a large population database, indicating this variant is rare. At this time, the clinical significance of this variant is uncertain due to the absence of conclusive functional and genetic evidence.

Literature cited by the submitters: PubMed 17576681 (cited by Labcorp Genetics (formerly Invitae), Labcorp); PubMed 9536098 (cited by Labcorp Genetics (formerly Invitae), Labcorp).